The following is an entry in ClinVar:

NM_020937.4(FANCM):c.2160+3A>G

Gene: FANCM (FA complementation group M; plus strand). Cytogenetic location: 14q21.2.
Variant type: single nucleotide variant.
Coding change: c.2160+3A>G on transcript NM_020937.4 (MANE Select); 3 bases into the intron after coding-DNA position 2160, A replaced by G.
Molecular consequence: intron variant.
Genome position (GRCh38, 1-based): chr14:45,170,749, A>G. VCF-style: chr14-45170749-A-G. GRCh37 (hg19) VCF-style: chr14-45639952-A-G.
Other names: c.2082+3A>G (NM_001308133.2).
Identifiers: ClinVar variation 4083081 (VCV004083081.2).

ClinVar aggregate classification (germline): Uncertain significance (1 of 4 stars; one submission).

Submission:

GeneDx
Classification: Uncertain significance. Last evaluated: 2026-07-06. Review status: criteria provided, single submitter. Criteria: GeneDx Variant Classification Process June 2021. Collection method: clinical testing. Allele origin: germline.
Comment: Not observed at significant frequency in large population cohorts (gnomAD); Has not been previously published as pathogenic or benign to our knowledge; In silico analysis is inconclusive as to whether the variant alters gene splicing. In the absence of RNA/functional studies, the actual effect of this sequence change is unknown.